The following is an entry in ClinVar:

ClinVar aggregate classification (germline): Uncertain significance. Review status: criteria provided, multiple submitters, no conflicts (2 of 4 stars). 3 submissions from 3 submitters: Uncertain significance (3). Last evaluated 2024-05-20.

Conditions:
BODY MASS INDEX QUANTITATIVE TRAIT LOCUS 4 (BMIQ4). Also called: OBESITY (BMIQ4), SUSCEPTIBILITY TO. Identifiers: MedGen C1843898, OMIM 607447.

Allele frequency attached by ClinVar (database versions not stated): TOPMed 0.00007; gnomAD 0.00011 and 0.00014; gnomAD exomes 0.00013 and 0.00025; ExAC 0.00025.
gnomAD v4.1: 220 of 1,614,150 alleles (0.014%); highest among the groups gnomAD compares: Middle Eastern, 0.16%; 3 homozygotes.

Submissions (3):

Labcorp Genetics (formerly Invitae), Labcorp
Classification: Uncertain significance. Last evaluated: 2024-05-20. Review status: criteria provided, single submitter. Criteria: Invitae Variant Classification Sherloc (09022015). Collection method: clinical testing. Allele origin: germline.
Comment: This sequence change replaces alanine, which is neutral and non-polar, with threonine, which is neutral and polar, at codon 27 of the UCP2 protein (p.Ala27Thr). This variant is present in population databases (rs201315561, gnomAD 0.1%), and has an allele count higher than expected for a pathogenic variant. This variant has not been reported in the literature in individuals affected with UCP2-related conditions. ClinVar contains an entry for this variant (Variation ID: 437204). An algorithm developed to predict the effect of missense changes on protein structure and function (PolyPhen-2) suggests that this variant is likely to be disruptive. In summary, the available evidence is currently insufficient to determine the role of this variant in disease. Therefore, it has been classified as a Variant of Uncertain Significance.

Fulgent Genetics
Classification: Uncertain significance for BODY MASS INDEX QUANTITATIVE TRAIT LOCUS 4. Last evaluated: 2018-10-31. Review status: criteria provided, single submitter. Criteria: ACMG Guidelines, 2015. Collection method: clinical testing. Allele origin: unknown.

Genetic Services Laboratory, University of Chicago
Classification: Uncertain significance. Last evaluated: 2015-08-14. Review status: criteria provided, single submitter. Criteria: ACMG Guidelines, 2015. Collection method: clinical testing. Allele origin: germline. Affected: no.

NM_003355.3(UCP2):c.79G>A (p.Ala27Thr)

Gene: UCP2 (uncoupling protein 2; minus strand). Cytogenetic location: 11q13.4.
Variant type: single nucleotide variant.
Coding change: c.79G>A on transcript NM_003355.3 (MANE Select); coding-DNA position 79, G replaced by A.
Protein change: p.Ala27Thr; replaces alanine 27 with threonine.
Molecular consequence: missense variant.
Genome position (GRCh38, 1-based): chr11:73,978,300, C>T on the plus strand (G>A on the coding strand, the complement: UCP2 is on the minus strand). VCF-style: chr11-73978300-C-T. GRCh37 (hg19) VCF-style: chr11-73689345-C-T.
Other names: c.79G>A, p.Ala27Thr (NM_001381943.1, NM_001381944.1, NM_001381945.1 and 4 more transcripts); short protein forms A27T.
Identifiers: ClinVar variation 437204 (VCV000437204.10), dbSNP rs201315561, ClinGen allele CA6181267.
Genomic context (GRCh38, chr11:73,978,300, plus strand): 5'-TTCATCCCCTCACCTGTAACCGGACTTTAGCAGTATCCAGAGGAAAGGTGATGAGATCTG[C>T]GATGCAGGCAGCTGTGCCAGCCCCAAGAAACTTCACAGTGGCAGTAGGGGGCACATCTGT-3'
Protein context (NP_003346.2, residues 17-37): FLGAGTAACI[Ala27Thr]DLITFPLDTA